The following is an entry in ClinVar:

NM_001999.4(FBN2):c.5075-7A>C

Gene: FBN2 (fibrillin 2; minus strand). Cytogenetic location: 5q23.3.
Variant type: single nucleotide variant.
Coding change: c.5075-7A>C on transcript NM_001999.4 (MANE Select); 7 bases into the intron before coding-DNA position 5075, A replaced by C.
Molecular consequence: intron variant.
Genome position (GRCh38, 1-based): chr5:128,310,115, T>G on the plus strand (A>C on the coding strand, the complement: FBN2 is on the minus strand). VCF-style: chr5-128310115-T-G. GRCh37 (hg19) VCF-style: chr5-127645807-T-G.
Identifiers: ClinVar variation 682447 (VCV000682447.1), dbSNP rs946913190, ClinGen allele CA915941907.
Genomic context (GRCh38, chr5:128,310,115, plus strand): 5'-TATAGCAGGTCCCAGGCCCACACACACCAGGATGTGCAAAACACTCATCAATATCTAGAG[T>G]AGGCAAGAATATCTATTAATTAATAAATCTATTTTTTCAATGAATTTATATTACTTAGAT-3'

ClinVar aggregate classification (germline): Likely benign (1 of 4 stars; one submission).

gnomAD v4.1: 1 of 1,605,380 alleles (0.000062%); highest among the groups gnomAD compares: Admixed American, 0.0017%; no homozygotes.

Submission:

GeneDx
Classification: Likely benign. Last evaluated: 2018-05-01. Review status: criteria provided, single submitter. Criteria: GeneDx Variant Classification (06012015). Collection method: clinical testing. Allele origin: germline. Affected: yes.
Comment: This variant is considered likely benign or benign based on one or more of the following criteria: it is a conservative change, it occurs at a poorly conserved position in the protein, it is predicted to be benign by multiple in silico algorithms, and/or has population frequency not consistent with disease.